The following is an entry in ClinVar:

ClinVar aggregate classification (germline): Uncertain significance (1 of 4 stars; one submission).

Submission:

GeneDx
Classification: Uncertain significance. Last evaluated: 2026-04-15. Review status: criteria provided, single submitter. Criteria: GeneDx Variant Classification Process June 2021. Collection method: clinical testing. Allele origin: germline.
Comment: Not observed at significant frequency in large population cohorts (gnomAD); In silico analysis supports that this missense variant has a deleterious effect on protein structure/function; Has not been previously published as pathogenic or benign to our knowledge

NM_001363711.2(DUOX2):c.673C>G (p.Pro225Ala)

Gene: DUOX2 (dual oxidase 2; minus strand). Cytogenetic location: 15q21.1.
Variant type: single nucleotide variant.
Coding change: c.673C>G on transcript NM_001363711.2 (MANE Select); coding-DNA position 673, C replaced by G.
Protein change: p.Pro225Ala; replaces proline 225 with alanine.
Molecular consequence: missense variant.
Genome position (GRCh38, 1-based): chr15:45,111,426, G>C on the plus strand (C>G on the coding strand, the complement: DUOX2 is on the minus strand). VCF-style: chr15-45111426-G-C. GRCh37 (hg19) VCF-style: chr15-45403624-G-C.
Other names: c.673C>G, p.Pro225Ala (NM_014080.5); short protein forms P225A.
Identifiers: ClinVar variation 5036967 (VCV005036967.1).